The following is an entry in ClinVar:

NM_004531.5(MOCS2):c.163T>G (p.Ser55Ala)

Gene: MOCS2 (molybdenum cofactor synthesis 2; minus strand). Cytogenetic location: 5q11.2.
Variant type: single nucleotide variant.
Coding change: c.163T>G on transcript NM_004531.5 (MANE Select); coding-DNA position 163, T replaced by G.
Protein change: p.Ser55Ala; replaces serine 55 with alanine.
Molecular consequence: missense variant. On other transcripts: 3 prime UTR variant (1).
Genome position (GRCh38, 1-based): chr5:53,102,160, A>C on the plus strand (T>G on the coding strand, the complement: MOCS2 is on the minus strand). VCF-style: chr5-53102160-A-C. GRCh37 (hg19) VCF-style: chr5-52397990-A-C.
Other names: c.*83T>G (NM_176806.4); short protein forms S55A.
Identifiers: ClinVar variation 1016518 (VCV001016518.5), dbSNP rs1375036528, ClinGen allele CA359693456.

ClinVar aggregate classification (germline): Uncertain significance. Review status: criteria provided, multiple submitters, no conflicts (2 of 4 stars). 2 submissions from 2 submitters: Uncertain significance (2). Last evaluated 2024-02-27.

Conditions:
Sulfite oxidase deficiency due to molybdenum cofactor deficiency type B1 (MOCODB1). Also called: MOLYBDENUM COFACTOR DEFICIENCY, TYPE B1; Molybdenum cofactor deficiency, complementation group B; Molybdenum cofactor deficiency B; Sulfite oxidase deficiency due to molybdenum cofactor deficiency type B. Identifiers: Orphanet 308393, Orphanet 833, MedGen C6065887, MONDO:0009644, OMIM 252160.

Allele frequency attached by ClinVar (database versions not stated): gnomAD exomes 0.00001; gnomAD 0.00007 and 0.00008; TOPMed 0.00008.
gnomAD v4.1: 20 of 1,613,312 alleles (0.0012%); highest among the groups gnomAD compares: African/African-American, 0.025%; no homozygotes.

Submissions (2):

Fulgent Genetics
Classification: Uncertain significance for Sulfite oxidase deficiency due to molybdenum cofactor deficiency type B1. Last evaluated: 2024-02-27. Review status: criteria provided, single submitter. Criteria: ACMG Guidelines, 2015. Collection method: clinical testing. Allele origin: germline.

Labcorp Genetics (formerly Invitae), Labcorp
Classification: Uncertain significance. Last evaluated: 2022-07-12. Review status: criteria provided, single submitter. Criteria: Invitae Variant Classification Sherloc (09022015). Collection method: clinical testing. Allele origin: germline.
Comment: This sequence change replaces serine, which is neutral and polar, with alanine, which is neutral and non-polar, at codon 55 of the MOCS2B protein (p.Ser55Ala). This variant is present in population databases (no rsID available, gnomAD 0.03%). This variant has not been reported in the literature in individuals affected with MOCS2B-related conditions. ClinVar contains an entry for this variant (Variation ID: 1016518). Algorithms developed to predict the effect of missense changes on protein structure and function (SIFT, PolyPhen-2, Align-GVGD) all suggest that this variant is likely to be tolerated. In summary, the available evidence is currently insufficient to determine the role of this variant in disease. Therefore, it has been classified as a Variant of Uncertain Significance.